The following is an entry in ClinVar:

ClinVar aggregate classification (germline): Conflicting classifications of pathogenicity. Review status: criteria provided, conflicting classifications (1 of 4 stars). 5 submissions from 5 submitters: Uncertain significance (1); Benign (4). Last evaluated 2026-02-02.

Conditions:
Coffin-Siris syndrome. Identifiers: Orphanet 1465, MedGen C0265338, MONDO:0015452.
Hereditary cancer-predisposing syndrome. Also called: Neoplastic Syndromes, Hereditary; Hereditary neoplastic syndrome; Tumor predisposition; Hereditary Cancer Syndrome. Identifiers: Orphanet 140162, MedGen C0027672, MeSH D009386, MONDO:0015356.
Rhabdoid tumor predisposition syndrome 2 (RTPS2). Identifiers: Orphanet 231108, Orphanet 69077, MedGen C2750074, MONDO:0013224, OMIM 613325.

Allele frequency attached by ClinVar (database versions not stated): TOPMed 0.00015; gnomAD 0.00018 and 0.00021; gnomAD exomes 0.00049; 1000 Genomes Project 30x 0.00078; ExAC 0.00089; 1000 Genomes Project 0.00120.
gnomAD v4.1: 124 of 1,578,670 alleles (0.0079%); highest among the groups gnomAD compares: East Asian, 0.28%; no homozygotes.

Submissions (5):

Labcorp Genetics (formerly Invitae), Labcorp
Classification: Benign for Rhabdoid tumor predisposition syndrome 2. Last evaluated: 2026-02-02. Review status: criteria provided, single submitter. Criteria: Invitae Variant Classification Sherloc (09022015). Collection method: clinical testing. Allele origin: germline.

Quest Diagnostics Nichols Institute San Juan Capistrano
Classification: Benign. Last evaluated: 2023-02-02. Review status: criteria provided, single submitter. Criteria: Quest Diagnostics criteria. Collection method: clinical testing. Allele origin: unknown.

Sema4
Classification: Benign for Hereditary cancer-predisposing syndrome. Last evaluated: 2021-07-13. Review status: criteria provided, single submitter. Criteria: Sema4 Curation Guidelines. Collection method: curation. Allele origin: germline.

Illumina Laboratory Services, Illumina
Classification: Benign for Coffin-Siris syndrome. Last evaluated: 2018-01-12. Review status: criteria provided, single submitter. Criteria: ICSL Variant Classification Criteria 13 December 2019. Collection method: clinical testing. Allele origin: germline.
Comment: This variant was observed in the ICSL laboratory as part of a predisposition screen in an ostensibly healthy population. It had not been previously curated by ICSL or reported in the Human Gene Mutation Database (HGMD: prior to June 1st, 2018), and was therefore a candidate for classification through an automated scoring system. Utilizing variant allele frequency, disease prevalence and penetrance estimates, and inheritance mode, an automated score was calculated to assess if this variant is too frequent to cause the disease. Based on the score and internal cut-off values, a variant classified as benign is not then subjected to further curation. The score for this variant resulted in a classification of benign for this disease.

Ambry Genetics
Classification: Uncertain significance for Hereditary cancer-predisposing syndrome. Last evaluated: 2015-07-01. Review status: criteria provided, single submitter. Criteria: Ambry Variant Classification Scheme 2023. Collection method: clinical testing. Allele origin: germline.
Comment: The c.4171-9T>A intronic alteration consists of a T to A substitution 9 nucleotides before coding exon 29 in the SMARCA4 gene. Based on insufficient or conflicting evidence, the clinical significance of this alteration remains unclear.

NM_003072.5(SMARCA4):c.4171-1858T>A

Gene: SMARCA4 (SWI/SNF related BAF chromatin remodeling complex subunit ATPase 4; plus strand). Cytogenetic location: 19p13.2.
Variant type: single nucleotide variant.
Coding change: c.4171-1858T>A on transcript NM_003072.5 (MANE Select); 1858 bases into the intron before coding-DNA position 4171, T replaced by A.
Molecular consequence: intron variant.
Genome position (GRCh38, 1-based): chr19:11,039,449, T>A. VCF-style: chr19-11039449-T-A. GRCh37 (hg19) VCF-style: chr19-11150125-T-A.
Other names: c.4072-1858T>A (NM_001128847.4, NM_001374457.1, NM_001128848.2); c.4171-9T>A (NM_001387283.1, NM_001128849.3); c.4171-1858T>A (NM_001128844.3); c.4072-1849T>A (NM_001128845.2, NM_001128846.2).
Identifiers: ClinVar variation 238452 (VCV000238452.18), dbSNP rs201309716, ClinGen allele CA9204626.